The following is an entry in ClinVar:

ClinVar aggregate classification (germline): Pathogenic (1 of 4 stars; one submission).

Submission:

Labcorp Genetics (formerly Invitae), Labcorp
Classification: Pathogenic. Last evaluated: 2022-06-06. Review status: criteria provided, single submitter. Criteria: Invitae Variant Classification Sherloc (09022015). Collection method: clinical testing. Allele origin: germline.
Comment: ClinVar contains an entry for this variant (Variation ID: 1000984). For these reasons, this variant has been classified as Pathogenic. This variant has not been reported in the literature in individuals affected with POLE-related conditions. This variant is not present in population databases (gnomAD no frequency). This sequence change creates a premature translational stop signal (p.Asn875Phefs*33) in the POLE gene. It is expected to result in an absent or disrupted protein product. Loss-of-function variants in POLE are known to be pathogenic (PMID: 23230001, 25948378, 30503519).

Literature cited by the submitters: PubMed 23230001; PubMed 25948378; PubMed 30503519.

NM_006231.4(POLE):c.2623_2624del (p.Asn875fs)

Gene: POLE (DNA polymerase epsilon, catalytic subunit; minus strand). Cytogenetic location: 12q24.33.
Variant type: Deletion.
Coding change: c.2623_2624del on transcript NM_006231.4 (MANE Select); coding-DNA positions 2623 to 2624, 2 bases deleted (AA; older notation c.2623_2624delAA).
Protein change: p.Asn875fs; shifts the reading frame from asparagine 875.
Molecular consequence: frameshift variant.
Genome position (GRCh38, 1-based): chr12:132,664,086-132,664,087, TT deleted on the plus strand (AA on the coding strand, the reverse complement: POLE is on the minus strand); deleting any 2 consecutive bases within chr12:132,664,086-132,664,089 gives the same sequence; the c. name uses the placement nearest the transcript's 3' end. VCF-style (leftmost placement, unchanged base first): chr12-132664085-ATT-A. GRCh37 (hg19) VCF-style: chr12-133240671-ATT-A.
Other names: short protein forms N875fs.
Identifiers: ClinVar variation 1000984 (VCV001000984.8), dbSNP rs2042737188, ClinGen allele CA2072996810.